The following is an entry in ClinVar:

ClinVar aggregate classification (germline): Conflicting classifications of pathogenicity. Review status: criteria provided, conflicting classifications (1 of 4 stars). 2 submissions from 2 submitters: Uncertain significance (1); Likely benign (1). Last evaluated 2025-08-22.

Conditions:
Hereditary sensory and autonomic neuropathy type 7. Also called: Neuropathy, hereditary sensory and autonomic, type VII; HSAN VII. Identifiers: Orphanet 391397, MedGen C3809882, MONDO:0014244, OMIM 615548.
Familial episodic pain syndrome with predominantly lower limb involvement. Also called: Episodic pain syndrome, familial, 3. Identifiers: Orphanet 391384, Orphanet 391392, MedGen C3809899, MONDO:0014247, OMIM 615552.
Inborn genetic diseases. Identifiers: MedGen C0950123, MeSH D030342.

Allele frequency attached by ClinVar (database versions not stated): ExAC 0.00001; gnomAD 0.00001; gnomAD exomes 0.00001; TOPMed 0.00001.
gnomAD v4.1: 16 of 1,613,646 alleles (0.00099%); highest among the groups gnomAD compares: East Asian, 0.0022%; no homozygotes.

Submissions (2):

Ambry Genetics
Classification: Likely benign for Inborn genetic diseases. Last evaluated: 2025-08-22. Review status: criteria provided, single submitter. Criteria: Ambry Variant Classification Scheme 2023. Collection method: clinical testing. Allele origin: germline.

Labcorp Genetics (formerly Invitae), Labcorp
Classification: Uncertain significance for Familial episodic pain syndrome with predominantly lower limb involvement; Hereditary sensory and autonomic neuropathy type 7. Last evaluated: 2023-03-31. Review status: criteria provided, single submitter. Criteria: Invitae Variant Classification Sherloc (09022015). Collection method: clinical testing. Allele origin: germline.
Comment: Algorithms developed to predict the effect of missense changes on protein structure and function output the following: SIFT: "Not Available"; PolyPhen-2: "Benign"; Align-GVGD: "Not Available". The arginine amino acid residue is found in multiple mammalian species, which suggests that this missense change does not adversely affect protein function. ClinVar contains an entry for this variant (Variation ID: 1002213). In summary, the available evidence is currently insufficient to determine the role of this variant in disease. Therefore, it has been classified as a Variant of Uncertain Significance. This sequence change replaces glycine, which is neutral and non-polar, with arginine, which is basic and polar, at codon 1004 of the SCN11A protein (p.Gly1004Arg). This variant is present in population databases (rs757316631, gnomAD 0.003%). This variant has not been reported in the literature in individuals affected with SCN11A-related conditions.

NM_001349253.2(SCN11A):c.3010G>A (p.Gly1004Arg)

Gene: SCN11A (sodium voltage-gated channel alpha subunit 11; minus strand). Cytogenetic location: 3p22.2.
Variant type: single nucleotide variant.
Coding change: c.3010G>A on transcript NM_001349253.2 (MANE Select); coding-DNA position 3010, G replaced by A.
Protein change: p.Gly1004Arg; replaces glycine 1004 with arginine.
Molecular consequence: missense variant.
Genome position (GRCh38, 1-based): chr3:38,885,342, C>T on the plus strand (G>A on the coding strand, the complement: SCN11A is on the minus strand). VCF-style: chr3-38885342-C-T. GRCh37 (hg19) VCF-style: chr3-38926833-C-T.
Other names: c.3010G>A (NM_014139.2); c.3010G>A, p.Gly1004Arg (NM_014139.3); short protein forms G1004R.
Identifiers: ClinVar variation 1002213 (VCV001002213.6), dbSNP rs757316631, ClinGen allele CA2321894.